The following is an entry in ClinVar:

NM_002972.4(SBF1):c.3873GGCCTC[3] (p.1292AS[3])

Gene: SBF1 (SET binding factor 1; minus strand). Cytogenetic location: 22q13.33.
Variant type: Microsatellite.
Coding change: c.3873GGCCTC[3] on transcript NM_002972.4 (MANE Select); three copies in a row of the 6-base unit GGCCTC starting at c.3873; the reference has two copies in a row; one copy, 6 bases duplicated; also written c.3879_3884dup.
Protein change: p.1292AS[3].
Molecular consequence: inframe insertion. On other transcripts: intron variant (1).
Genome position (GRCh38, 1-based): chr22:50,457,054-50,457,059, GAGGCC duplicated on the plus strand (GGCCTC on the coding strand, the reverse complement: SBF1 is on the minus strand); duplicating any 6 consecutive bases within chr22:50,457,054-50,457,066 gives the same sequence; the position shown is the placement nearest the transcript's 3' end. VCF-style (leftmost placement, unchanged base first): chr22-50457053-G-GGAGGCC. GRCh37 (hg19) VCF-style: chr22-50895482-G-GGAGGCC.
Other names: c.3830-392GGCCTC[3] (NM_001365819.1); c.3879_3884dupGGCCTC (NM_002972.4); c.3879_3884dup (NM_002972.4, NM_002972.2).
Identifiers: ClinVar variation 1162891 (VCV001162891.13), dbSNP rs761546537, ClinGen allele CA10316511.
Genomic context (GRCh38, chr22:50,457,053, plus strand): 5'-CAAGTAAGGGGAGGCGGGCCTGCGCAGGCTCGGTACGGTACCTCGGGGTGCGGTCCGTCT[G>GGAGGCC]GAGGCCGAGGCCGCCATGGGGTTGGACAGCGTGGTGACCCTGGCTCTGGGGCTGGGAACT-3'

ClinVar aggregate classification (germline): Uncertain significance. Review status: criteria provided, multiple submitters, no conflicts (2 of 4 stars). 6 submissions from 6 submitters: Uncertain significance (6). Last evaluated 2025-09-30.

Conditions:
Charcot-Marie-Tooth disease type 4B3. Also called: CHARCOT-MARIE-TOOTH DISEASE, DEMYELINATING, TYPE 4B3; Charcot-Marie-Tooth Neuropathy Type 4B3. Identifiers: Orphanet 363981, MedGen C3695063, MONDO:0014117, OMIM 615284.

Submissions (6):

Mayo Clinic Laboratories, Mayo Clinic
Classification: Uncertain significance. Last evaluated: 2025-09-30. Review status: criteria provided, single submitter. Criteria: ACMG Guidelines, 2015. Collection method: clinical testing. Allele origin: germline. Observed: 3 variant alleles.

Women's Health and Genetics/Laboratory Corporation of America, LabCorp
Classification: Uncertain significance. Last evaluated: 2025-09-17. Review status: criteria provided, single submitter. Criteria: LabCorp Variant Classification Summary - May 2015. Collection method: clinical testing. Allele origin: germline.
Comment: Variant summary: SBF1 c.3879_3884dupGGCCTC (p.Ala1294_Ser1295dup) results in an in-frame duplication that is predicted to duplicate two amino acids into the encoded protein. The variant allele was found at a frequency of 8.1e-05 in 99070 control chromosomes. The available data on variant occurrences in the general population are insufficient to allow any conclusion about variant significance. To our knowledge, no occurrence of c.3879_3884dupGGCCTC in individuals affected with SBF1-related conditions and no experimental evidence demonstrating its impact on protein function have been reported. ClinVar contains an entry for this variant (Variation ID: 1162891). Based on the evidence outlined above, the variant was classified as uncertain significance.

GeneDx
Classification: Uncertain significance. Last evaluated: 2025-08-02. Review status: criteria provided, single submitter. Criteria: GeneDx Variant Classification Process June 2021. Collection method: clinical testing. Allele origin: germline. Affected: yes.
Comment: In-frame duplication of 2 amino acids in a non-repeat region; Has not been previously published as pathogenic or benign to our knowledge

Blueprint Genetics
Classification: Uncertain significance. Last evaluated: 2024-07-17. Review status: criteria provided, single submitter. Criteria: ACMG Guidelines, 2015. Collection method: clinical testing. Allele origin: germline.

ARUP Laboratories, Molecular Genetics and Genomics, ARUP Laboratories
Classification: Uncertain significance for Charcot-Marie-Tooth disease type 4B3. Last evaluated: 2023-11-07. Review status: criteria provided, single submitter. Criteria: ARUP Molecular Germline Variant Investigation Process 2024. Collection method: clinical testing. Allele origin: germline.
Comment: The SBF1 c.3879_3884dupGGCCTC; p.Ala1294_Ser1295dup variant (rs761546537), to our knowledge, is not reported in the medical literature but is reported in ClinVar (Variation ID: 1162891). This variant is found in the Non-Finnish European population with an overall allele frequency of 0.02% (15/64660 alleles) in the Genome Aggregation Database. This variant duplicates two amino acid residues leaving the rest of the protein in-frame. However, given the lack of clinical and functional data, the significance of the p.Ala1294_Ser1295dup variant is uncertain at this time.

Labcorp Genetics (formerly Invitae), Labcorp
Classification: Uncertain significance. Last evaluated: 2022-10-13. Review status: criteria provided, single submitter. Criteria: Invitae Variant Classification Sherloc (09022015). Collection method: clinical testing. Allele origin: germline.
Comment: This variant, c.3879_3884dup, results in the insertion of 2 amino acid(s) of the SBF1 protein (p.Ala1294_Ser1295dup), but otherwise preserves the integrity of the reading frame. This variant is present in population databases (rs761546537, gnomAD 0.02%). This variant has not been reported in the literature in individuals affected with SBF1-related conditions. Experimental studies and prediction algorithms are not available or were not evaluated, and the functional significance of this variant is currently unknown. In summary, the available evidence is currently insufficient to determine the role of this variant in disease. Therefore, it has been classified as a Variant of Uncertain Significance.